The following is an entry in ClinVar:

NM_014055.4(IFT81):c.641T>A (p.Val214Asp)

Gene: IFT81 (intraflagellar transport 81; plus strand). Cytogenetic location: 12q24.11.
Variant type: single nucleotide variant.
Coding change: c.641T>A on transcript NM_014055.4 (MANE Select); coding-DNA position 641, T replaced by A.
Protein change: p.Val214Asp; replaces valine 214 with aspartic acid.
Molecular consequence: missense variant. On other transcripts: 5 prime UTR variant (2), non-coding transcript variant (4).
Genome position (GRCh38, 1-based): chr12:110,135,382, T>A. VCF-style: chr12-110135382-T-A. GRCh37 (hg19) VCF-style: chr12-110573187-T-A.
Other names: c.641T>A, p.Val214Asp (NM_001143779.2, NM_001347946.2, NM_031473.4); c.-126T>A (NM_001347947.2, NM_001347948.2); c.641T>A (NM_014055.3); short protein forms V214D.
Identifiers: ClinVar variation 1021615 (VCV001021615.8), dbSNP rs201182007, ClinGen allele CA243925225.

ClinVar aggregate classification (germline): Uncertain significance. Review status: criteria provided, multiple submitters, no conflicts (2 of 4 stars). 2 submissions from 2 submitters: Uncertain significance (2). Last evaluated 2025-08-22.

Conditions:
Inborn genetic diseases. Identifiers: MedGen C0950123, MeSH D030342.

Allele frequency attached by ClinVar (database versions not stated): TOPMed 0.00001.
gnomAD v4.1: 32 of 1,613,078 alleles (0.002%); highest among the groups gnomAD compares: Non-Finnish European, 0.0027%; no homozygotes.

Submissions (2):

Ambry Genetics
Classification: Uncertain significance for Inborn genetic diseases. Last evaluated: 2025-08-22. Review status: criteria provided, single submitter. Criteria: Ambry Variant Classification Scheme 2023. Collection method: clinical testing. Allele origin: germline.

Labcorp Genetics (formerly Invitae), Labcorp
Classification: Uncertain significance. Last evaluated: 2022-08-31. Review status: criteria provided, single submitter. Criteria: Invitae Variant Classification Sherloc (09022015). Collection method: clinical testing. Allele origin: germline.
Comment: In summary, the available evidence is currently insufficient to determine the role of this variant in disease. Therefore, it has been classified as a Variant of Uncertain Significance. Algorithms developed to predict the effect of missense changes on protein structure and function are either unavailable or do not agree on the potential impact of this missense change (SIFT: "Deleterious"; PolyPhen-2: "Possibly Damaging"; Align-GVGD: "Class C0"). ClinVar contains an entry for this variant (Variation ID: 1021615). This variant has not been reported in the literature in individuals affected with IFT81-related conditions. This variant is present in population databases (rs201182007, gnomAD 0.0009%). This sequence change replaces valine, which is neutral and non-polar, with aspartic acid, which is acidic and polar, at codon 214 of the IFT81 protein (p.Val214Asp).